The following is an entry in ClinVar:

NM_000051.4(ATM):c.8941C>T (p.His2981Tyr)

Genes: C11orf65 (chromosome 11 open reading frame 65; minus strand), ATM (ATM serine/threonine kinase; plus strand). Cytogenetic location: 11q22.3.
Variant type: single nucleotide variant.
Coding change: c.8941C>T on transcript NM_000051.4 (MANE Select); coding-DNA position 8941, C replaced by T.
Protein change: p.His2981Tyr; replaces histidine 2981 with tyrosine.
Molecular consequence: missense variant. On other transcripts: intron variant (2).
Genome position (GRCh38, 1-based): chr11:108,365,172, C>T. VCF-style: chr11-108365172-C-T. GRCh37 (hg19) VCF-style: chr11-108235899-C-T.
Other names: c.8941C>T, p.His2981Tyr (NM_001351834.2); c.640+20748G>A (NM_001330368.2); c.694+20748G>A (NM_001351110.2); short protein forms H2981Y.
Identifiers: ClinVar variation 524320 (VCV000524320.10), dbSNP rs1555151422, ClinGen allele CA382530122.
Genomic context (GRCh38, chr11:108,365,172, plus strand): 5'-ACCATGAATCCTTTGAAAGCTTTGTATTTACAGCAGAGGCCGGAAGATGAAACTGAGCTT[C>T]ACCCTACTCTGAATGCAGATGACCAAGAATGCAAACGAAATCTCAGGTGAGCAGTATTTT-3'
Protein context (NP_000042.3, residues 2971-2991): QQRPEDETEL[His2981Tyr]PTLNADDQEC

ClinVar aggregate classification (germline): Conflicting classifications of pathogenicity. Review status: criteria provided, conflicting classifications (1 of 4 stars). 2 submissions from 2 submitters: Uncertain significance (1); Likely benign (1). Last evaluated 2024-06-10.

Conditions:
Hereditary cancer-predisposing syndrome. Also called: Hereditary Cancer Syndrome; Neoplastic Syndromes, Hereditary; Tumor predisposition; Hereditary neoplastic syndrome. Identifiers: Orphanet 140162, MedGen C0027672, MeSH D009386, MONDO:0015356.
Ataxia-telangiectasia syndrome (AT). Also called: Cerebello-oculocutaneous telangiectasia; Immunodeficiency with ataxia telangiectasia; Ataxia-telangiectasia, complementation group E; Ataxia-telangiectasia, complementation group D; AT, COMPLEMENTATION GROUP C; ATAXIA-TELANGIECTASIA, COMPLEMENTATION GROUP A. Identifiers: Orphanet 100, MedGen C0004135, MONDO:0008840, OMIM 208900.

Allele frequency attached by ClinVar (database versions not stated): gnomAD exomes below 0.00001.
gnomAD v4.1: 1 of 1,614,240 alleles (0.000062%); highest among the groups gnomAD compares: East Asian, 0.0022%; no homozygotes.

Submissions (2):

Labcorp Genetics (formerly Invitae), Labcorp
Classification: Uncertain significance for Ataxia-telangiectasia syndrome. Last evaluated: 2024-06-10. Review status: criteria provided, single submitter. Criteria: Invitae Variant Classification Sherloc (09022015). Collection method: clinical testing. Allele origin: germline.
Comment: This sequence change replaces histidine, which is basic and polar, with tyrosine, which is neutral and polar, at codon 2981 of the ATM protein (p.His2981Tyr). This variant is not present in population databases (gnomAD no frequency). This missense change has been observed in individual(s) with breast cancer (PMID: 30287823). ClinVar contains an entry for this variant (Variation ID: 524320). An algorithm developed to predict the effect of missense changes on protein structure and function (PolyPhen-2) suggests that this variant is likely to be tolerated. In summary, the available evidence is currently insufficient to determine the role of this variant in disease. Therefore, it has been classified as a Variant of Uncertain Significance.

Ambry Genetics
Classification: Likely benign for Hereditary cancer-predisposing syndrome. Last evaluated: 2024-05-23. Review status: criteria provided, single submitter. Criteria: Ambry Variant Classification Scheme 2023. Collection method: clinical testing. Allele origin: germline.

Literature cited by the submitters: PubMed 30287823 (cited by Labcorp Genetics (formerly Invitae), Labcorp).